The following is an entry in ClinVar:

ClinVar aggregate classification (germline): Uncertain significance. Review status: criteria provided, multiple submitters, no conflicts (2 of 4 stars). 3 submissions from 3 submitters: Uncertain significance (3). Last evaluated 2025-09-14.

Conditions:
Cardiovascular phenotype. Identifiers: MedGen CN230736.
Cardiofaciocutaneous syndrome 4 (CFC4). Also called: MAP2K2-Related Cardiofaciocutaneous Syndrome. Identifiers: Orphanet 1340, MedGen C3809007, MONDO:0014114, OMIM 615280.
RASopathy. Also called: Noonan spectrum disorder; rasopathies. Identifiers: Orphanet 536391, MedGen C5555857, MONDO:0021060.

Allele frequency attached by ClinVar (database versions not stated): ExAC below 0.00001; gnomAD exomes 0.00003.
gnomAD v4.1: 37 of 1,551,380 alleles (0.0024%); highest among the groups gnomAD compares: South Asian, 0.026%; no homozygotes.

Submissions (3):

Labcorp Genetics (formerly Invitae), Labcorp
Classification: Uncertain significance for RASopathy. Last evaluated: 2025-09-14. Review status: criteria provided, single submitter. Criteria: Invitae Variant Classification Sherloc (09022015). Collection method: clinical testing. Allele origin: germline.
Comment: This sequence change replaces arginine, which is basic and polar, with histidine, which is basic and polar, at codon 397 of the MAP2K2 protein (p.Arg397His). This variant is present in population databases (rs751040819, gnomAD 0.01%). This variant has not been reported in the literature in individuals affected with MAP2K2-related conditions. ClinVar contains an entry for this variant (Variation ID: 40844). Invitae Evidence Modeling of protein sequence and biophysical properties (such as structural, functional, and spatial information, amino acid conservation, physicochemical variation, residue mobility, and thermodynamic stability) indicates that this missense variant is not expected to disrupt MAP2K2 protein function with a negative predictive value of 95%. In summary, the available evidence is currently insufficient to determine the role of this variant in disease. Therefore, it has been classified as a Variant of Uncertain Significance.

Ambry Genetics
Classification: Uncertain significance for Cardiovascular phenotype. Last evaluated: 2024-08-28. Review status: criteria provided, single submitter. Criteria: Ambry Variant Classification Scheme 2023. Collection method: clinical testing. Allele origin: germline.
Comment: The p.R397H variant (also known as c.1190G>A), located in coding exon 11 of the MAP2K2 gene, results from a G to A substitution at nucleotide position 1190. The arginine at codon 397 is replaced by histidine, an amino acid with highly similar properties. This amino acid position is conserved. In addition, this alteration is predicted to be tolerated by in silico analysis. Based on the available evidence, the clinical significance of this variant remains unclear.

Fulgent Genetics
Classification: Uncertain significance for Cardiofaciocutaneous syndrome 4. Last evaluated: 2023-12-27. Review status: criteria provided, single submitter. Criteria: ACMG Guidelines, 2015. Collection method: clinical testing. Allele origin: germline.

NM_030662.4(MAP2K2):c.1190G>A (p.Arg397His)

Gene: MAP2K2 (mitogen-activated protein kinase kinase 2; minus strand). Cytogenetic location: 19p13.3.
Variant type: single nucleotide variant.
Coding change: c.1190G>A on transcript NM_030662.4 (MANE Select); coding-DNA position 1190, G replaced by A.
Protein change: p.Arg397His; replaces arginine 397 with histidine.
Molecular consequence: missense variant.
Genome position (GRCh38, 1-based): chr19:4,090,611, C>T on the plus strand (G>A on the coding strand, the complement: MAP2K2 is on the minus strand). VCF-style: chr19-4090611-C-T. GRCh37 (hg19) VCF-style: chr19-4090609-C-T.
Other names: short protein forms R397H.
Identifiers: ClinVar variation 40844 (VCV000040844.15), dbSNP rs751040819, ClinGen allele CA9090683.